The following is an entry in ClinVar:

NM_001375405.1(CEP120):c.1584T>C (p.Ile528=)

Gene: CEP120 (centrosomal protein 120; minus strand). Cytogenetic location: 5q23.2.
Variant type: single nucleotide variant.
Coding change: c.1584T>C on transcript NM_001375405.1 (MANE Select); coding-DNA position 1584, T replaced by C.
Protein change: p.Ile528=; no amino-acid change (isoleucine 528 retained).
Molecular consequence: synonymous variant. On other transcripts: non-coding transcript variant (1).
Genome position (GRCh38, 1-based): chr5:123,385,130, A>G on the plus strand (T>C on the coding strand, the complement: CEP120 is on the minus strand). VCF-style: chr5-123385130-A-G. GRCh37 (hg19) VCF-style: chr5-122720824-A-G.
Other names: c.1506T>C, p.Ile502= (NM_001166226.2); c.1449T>C, p.Ile483= (NM_001375406.1); c.1584T>C, p.Ile528= (NM_001375407.1, NM_153223.4); c.1011T>C, p.Ile337= (NM_001375408.1, NM_001375409.1).
Identifiers: ClinVar variation 1573686 (VCV001573686.28), dbSNP rs1223191516, ClinGen allele CA446065502.

ClinVar aggregate classification (germline): Likely benign. Review status: criteria provided, multiple submitters, no conflicts (2 of 4 stars). 2 submissions from 2 submitters: Likely benign (2). Last evaluated 2024-04-01.

Conditions:
Short-rib thoracic dysplasia 13 with or without polydactyly (SRTD13). Identifiers: Orphanet 474, MedGen C4225378, MONDO:0014577, OMIM 616300.

Allele frequency attached by ClinVar (database versions not stated): gnomAD exomes below 0.00001.
gnomAD v4.1: 4 of 1,610,040 alleles (0.00025%); highest among the groups gnomAD compares: Non-Finnish European, 0.00034%; no homozygotes.

Submissions (2):

CeGaT Center for Human Genetics Tuebingen
Classification: Likely benign. Last evaluated: 2024-04-01. Review status: criteria provided, single submitter. Criteria: CeGaT Center For Human Genetics Tuebingen Variant Classification Criteria Version 2. Collection method: clinical testing. Allele origin: germline. Affected: yes. Observed: 1 variant allele.
Comment: CEP120: BP4, BP7

Labcorp Genetics (formerly Invitae), Labcorp
Classification: Likely benign for Short-rib thoracic dysplasia 13 with or without polydactyly. Last evaluated: 2022-10-17. Review status: criteria provided, single submitter. Criteria: Invitae Variant Classification Sherloc (09022015). Collection method: clinical testing. Allele origin: germline.